The following is an entry in ClinVar:

NM_003562.5(SLC25A11):c.688G>A (p.Gly230Ser)

Gene: SLC25A11 (solute carrier family 25 member 11; minus strand). Cytogenetic location: 17p13.2.
Variant type: single nucleotide variant.
Coding change: c.688G>A on transcript NM_003562.5 (MANE Select); coding-DNA position 688, G replaced by A.
Protein change: p.Gly230Ser; replaces glycine 230 with serine.
Molecular consequence: missense variant.
Genome position (GRCh38, 1-based): chr17:4,938,203, C>T on the plus strand (G>A on the coding strand, the complement: SLC25A11 is on the minus strand). VCF-style: chr17-4938203-C-T. GRCh37 (hg19) VCF-style: chr17-4841498-C-T.
Other names: c.655G>A, p.Gly219Ser (NM_001165417.2); c.535G>A, p.Gly179Ser (NM_001165418.2); short protein forms G179S, G219S, G230S.
Identifiers: ClinVar variation 4749580 (VCV004749580.1).

ClinVar aggregate classification (germline): Uncertain significance (1 of 4 stars; one submission).

Submission:

Labcorp Genetics (formerly Invitae), Labcorp
Classification: Uncertain significance. Last evaluated: 2025-06-03. Review status: criteria provided, single submitter. Criteria: Invitae Variant Classification Sherloc (09022015). Collection method: clinical testing. Allele origin: germline.
Comment: This sequence change replaces glycine, which is neutral and non-polar, with serine, which is neutral and polar, at codon 230 of the SLC25A11 protein (p.Gly230Ser). This variant is present in population databases (no rsID available, gnomAD 0.006%). This variant has not been reported in the literature in individuals affected with SLC25A11-related conditions. Invitae Evidence Modeling of protein sequence and biophysical properties (such as structural, functional, and spatial information, amino acid conservation, physicochemical variation, residue mobility, and thermodynamic stability) indicates that this missense variant is not expected to disrupt SLC25A11 protein function with a negative predictive value of 80%. In summary, the available evidence is currently insufficient to determine the role of this variant in disease. Therefore, it has been classified as a Variant of Uncertain Significance.